The following is an entry in ClinVar:

NM_006231.4(POLE):c.91G>T (p.Ala31Ser)

Gene: POLE (DNA polymerase epsilon, catalytic subunit; minus strand). Cytogenetic location: 12q24.33.
Variant type: single nucleotide variant.
Coding change: c.91G>T on transcript NM_006231.4 (MANE Select); coding-DNA position 91, G replaced by T.
Protein change: p.Ala31Ser; replaces alanine 31 with serine.
Molecular consequence: missense variant.
Genome position (GRCh38, 1-based): chr12:132,681,251, C>A on the plus strand (G>T on the coding strand, the complement: POLE is on the minus strand). VCF-style: chr12-132681251-C-A. GRCh37 (hg19) VCF-style: chr12-133257837-C-A.
Other names: short protein forms A31S.
Identifiers: ClinVar variation 221182 (VCV000221182.55), dbSNP rs34047482, ClinGen allele CA349719.

ClinVar aggregate classification (germline): Benign/Likely benign. Review status: criteria provided, multiple submitters, no conflicts (2 of 4 stars). 23 submissions from 23 submitters: Benign (14); Likely benign (1). 8 of the submissions do not count toward it. Last evaluated 2026-02-04.

Conditions:
Hereditary cancer-predisposing syndrome. Also called: Tumor predisposition; Hereditary Cancer Syndrome; Neoplastic Syndromes, Hereditary; Hereditary neoplastic syndrome. Identifiers: Orphanet 140162, MedGen C0027672, MeSH D009386, MONDO:0015356.
Colorectal cancer, susceptibility to, 12 (CRCS12). Also called: COLORECTAL CANCER, SUSCEPTIBILITY TO, ON CHROMOSOME 12q24. Identifiers: Orphanet 220460, MedGen C3554460, MONDO:0014038, OMIM 615083.
Carcinoma of colon (CRC). Also called: Colonic carcinoma; Colon carcinoma. Identifiers: MedGen C0699790, MONDO:0002032.

Allele frequency attached by ClinVar (database versions not stated): 1000 Genomes Project 0.00879; 1000 Genomes Project 30x 0.01015; ExAC 0.01224; gnomAD exomes 0.01238; gnomAD 0.01320 and 0.01324; TOPMed 0.01342; ESP Exome Variant Server 0.01599.

Submissions 1 to 21 of 81:

Labcorp Genetics (formerly Invitae), Labcorp
Classification: Benign. Last evaluated: 2026-02-04. Review status: criteria provided, single submitter. Criteria: Invitae Variant Classification Sherloc (09022015). Collection method: clinical testing. Allele origin: germline.

Dasa
Classification: Benign. Last evaluated: 2025-10-29. Review status: criteria provided, single submitter. Criteria: DASA Assertion Criteria. Collection method: clinical testing. Allele origin: germline.
Comment: NM_006231.4(POLE):c.91G>T (p.Ala31Ser) is a missense variant that results in the substitution of alanine with serine. Population frequency is inconsistent with a disease-causing role for this variant, and observations in unaffected individuals support a benign interpretation. Therefore, based on the currently available evidence, this variant is classified as benign.

ARUP Laboratories, Molecular Genetics and Genomics, ARUP Laboratories
Classification: Benign. Last evaluated: 2025-07-11. Review status: criteria provided, single submitter. Criteria: ARUP Molecular Germline Variant Investigation Process 2024. Collection method: clinical testing. Allele origin: germline.

GeneKor MSA
Classification: Benign for Hereditary cancer-predisposing syndrome. Last evaluated: 2025-07-10. Review status: criteria provided, single submitter. Criteria: ACMG Guidelines, 2015. Collection method: clinical testing. Allele origin: germline.

Mayo Clinic Laboratories, Mayo Clinic
Classification: Benign. Last evaluated: 2025-03-17. Review status: criteria provided, single submitter. Criteria: ACMG Guidelines, 2015. Collection method: clinical testing. Allele origin: germline. Observed: 36 variant alleles.
Comment: BS1, BS2, BP4

Center for Genomic Medicine, Rigshospitalet, Copenhagen University Hospital
Classification: Benign. Last evaluated: 2025-03-04. Review status: criteria provided, single submitter. Criteria: ACMG Guidelines, 2015. Collection method: clinical testing. Allele origin: germline.

Institute for Biomarker Research, Medical Diagnostic Laboratories, L.L.C.
Classification: Benign for Hereditary cancer-predisposing syndrome. Last evaluated: 2025-01-15. Review status: criteria provided, single submitter. Criteria: ACMG Guidelines, 2015. Collection method: clinical testing. Allele origin: germline.
Comment: The missense variant NM_006231.4(POLE):c.91G>T (p.Ala31Ser) has been reported to ClinVar as Benign with a status of (2 stars) criteria provided, multiple submitters, no conflicts (Variation ID 221182 as of 2025-01-02).There is a moderate physicochemical difference between alanine and serine.The p.Ala31Ser variant is not predicted to introduce a novel splice site by any splice site algorithm. The alanine residue at codon 31 of POLE is not conserved in all mammalian species, with 3 of the 57 mammals with alignments containing alternative residues. For these reasons, this variant has been classified as Benign

Blueprint Genetics
Classification: Likely benign. Last evaluated: 2024-11-27. Review status: criteria provided, single submitter. Criteria: ACMG Guidelines, 2015. Collection method: clinical testing. Allele origin: germline.

KCCC/NGS Laboratory, Kuwait Cancer Control Center
Classification: Benign for Colorectal cancer, susceptibility to, 12. Last evaluated: 2023-07-07. Review status: criteria provided, single submitter. Criteria: ACMG Guidelines, 2015. Collection method: clinical testing. Allele origin: germline. Affected: yes.

PreventionGenetics, part of Exact Sciences
Classification: Benign. Last evaluated: 2016-11-22. Review status: criteria provided, single submitter. Criteria: ACMG Guidelines, 2015. Collection method: clinical testing. Allele origin: germline.

Quest Diagnostics Nichols Institute San Juan Capistrano
Classification: Benign. Last evaluated: 2016-09-02. Review status: criteria provided, single submitter. Criteria: Quest Diagnostics criteria. Collection method: clinical testing. Allele origin: unknown.

Women's Health and Genetics/Laboratory Corporation of America, LabCorp
Classification: Benign. Last evaluated: 2016-05-24. Review status: criteria provided, single submitter. Criteria: LabCorp Variant Classification Summary - May 2015. Collection method: clinical testing. Allele origin: germline.
Comment: Variant summary: The POLE c.91G>T (p.Ala31Ser) variant involves the alteration of a conserved nucleotide. 3/5 in silico tools predict a benign outcome for this variant. This variant was found in 1485/121338 control chromosomes (20 homozygotes) at a frequency of 0.0122385, which is approximately 862 times the estimated maximal expected allele frequency of a pathogenic POLE variant (0.0000142), suggesting this variant is likely a benign polymorphism. In addition, one clinical diagnostic laboratory classified this variant as benign. Taken together, this variant is classified as benign.

GeneDx
Classification: Benign. Last evaluated: 2015-11-10. Review status: criteria provided, single submitter. Criteria: GeneDx Variant Classification (06012015). Collection method: clinical testing. Allele origin: germline. Affected: yes.
Comment: This variant is considered likely benign or benign based on one or more of the following criteria: it is a conservative change, it occurs at a poorly conserved position in the protein, it is predicted to be benign by multiple in silico algorithms, and/or has population frequency not consistent with disease.

Ambry Genetics
Classification: Benign for Hereditary cancer-predisposing syndrome. Last evaluated: 2015-05-19. Review status: criteria provided, single submitter. Criteria: Ambry Variant Classification Scheme 2023. Collection method: clinical testing. Allele origin: germline.

Breakthrough Genomics
Classification: Benign. Review status: criteria provided, single submitter. Criteria: ACMG Guidelines, 2015. Collection method: not provided. Allele origin: germline. Inheritance: Autosomal recessive inheritance. Affected: yes.

True Health Diagnostics
Classification: Likely benign for Hereditary cancer-predisposing syndrome. Last evaluated: 2018-01-30. Review status: no assertion criteria provided. Collection method: clinical testing. Allele origin: germline. Not counted in ClinVar's aggregate classification.

Counsyl
Classification: Benign for Colorectal cancer, susceptibility to, 12. Last evaluated: 2016-08-23. Review status: no assertion criteria provided. Collection method: clinical testing. Allele origin: unknown. Not counted in ClinVar's aggregate classification.

Clinical Genetics, Academic Medical Center
Classification: Benign. Review status: no assertion criteria provided. Collection method: clinical testing. Allele origin: germline. Affected: yes. Study: VKGL Data-share Consensus. Not counted in ClinVar's aggregate classification.

Department of Pathology and Laboratory Medicine, Sinai Health System
Classification: Likely benign for Carcinoma of colon. Review status: no assertion criteria provided. Collection method: clinical testing. Allele origin: unknown. Affected: yes. Study: The Canadian Open Genetics Repository (COGR). Not counted in ClinVar's aggregate classification.
Comment: The POLE p.Ala31Ser variant was not identified in the literature nor was it identified in the Cosmic, databases. The variant was identified in dbSNP (ID: rs34047482) as With Benign allele, ClinVar (classified as benign by Invitae, Counsyl, GeneDx, Ambry Genetics), Clinvitae (classified as benign by Invitae, ClinVar), MutDB, databases. The variant was identified in control databases in 3418 of 277182 chromosomes (47 homozygous) at a frequency of 0.012 increasing the likelihood this could be a low frequency benign variant (Genome Aggregation Database Feb 27, 2017). Breakdown of the observations by population include African in 85 of 24036 chromosomes (freq: 0.004), Other in 87 of 6464 chromosomes (freq: 0.014), Latino in 214 of 34418 chromosomes (freq: 0.006), EuropeanNon-Finnish in 2527 of 126668 chromosomes (freq: 0.02), AshkenaziJewish in 13 of 10150 chromosomes (freq: 0.0013), EastAsian in 1 of 18870 chromosomes (freq: 0.00005), EuropeanFinnish in 196 of 25794 chromosomes (freq: 0.008), and SouthAsian in 295 of 30782 chromosomes (freq: 0.01). The p.Ala31 residue is conserved in mammals but not in more distantly related organisms, however four out of five computational analyses (PolyPhen-2, SIFT, AlignGVGD, BLOSUM, MutationTaster) do not suggest a high likelihood of impact to the protein; this information is not predictive enough to rule out pathogenicity. The variant occurs outside of the splicing consensus sequence and 2 of 5 in silico or computational prediction software programs (SpliceSiteFinder, MaxEntScan, NNSPLICE, GeneSplicer, HumanSpliceFinder) predict a greater than 10% difference in splicing; this is not very predictive of pathogenicity. In addition, GeneDx classified the variant as benign based on following criteria: â€šÃ„Ãºit is a conservative change, it occurs at a poorly conserved position in the protein, it is predicted to be benign by multiple in silico algorithms, and/or has population frequency not consistent with diseaseâ€šÃ„Ã¹. In summary, based on the above information, the clinical significance of this variant cannot be determined with certainty at this time although we would lean towards a more benign role for this variant. This variant is classified as likely benign.

Dr. Peter K. Rogan Lab, Western University
No classification provided (evidence only). Condition: Lung cancer. Review status: no classification provided. Collection method: in vitro. Allele origin: not applicable. Functional consequence: retained intron. Not counted in ClinVar's aggregate classification.

Dr. Peter K. Rogan Lab, Western University
No classification provided (evidence only). Condition: Lung cancer. Review status: no classification provided. Collection method: in vitro. Allele origin: not applicable. Functional consequence: retained intron. Not counted in ClinVar's aggregate classification.